The following is an entry in ClinVar:

NM_003718.5(CDK13):c.3610G>C (p.Glu1204Gln)

Gene: CDK13 (cyclin dependent kinase 13; plus strand). Cytogenetic location: 7p14.1.
Variant type: single nucleotide variant.
Coding change: c.3610G>C on transcript NM_003718.5 (MANE Select); coding-DNA position 3610, G replaced by C.
Protein change: p.Glu1204Gln; replaces glutamic acid 1204 with glutamine.
Molecular consequence: missense variant.
Genome position (GRCh38, 1-based): chr7:40,093,159, G>C. VCF-style: chr7-40093159-G-C. GRCh37 (hg19) VCF-style: chr7-40132758-G-C.
Other names: c.3430G>C, p.Glu1144Gln (NM_031267.4); short protein forms E1144Q, E1204Q.
Identifiers: ClinVar variation 3603157 (VCV003603157.1).

ClinVar aggregate classification (germline): Uncertain significance (1 of 4 stars; one submission).

Submission:

GeneDx
Classification: Uncertain significance. Last evaluated: 2024-08-08. Review status: criteria provided, single submitter. Criteria: GeneDx Variant Classification Process June 2021. Collection method: clinical testing. Allele origin: germline. Affected: yes.
Comment: Not observed at significant frequency in large population cohorts (gnomAD); In silico analysis indicates that this missense variant does not alter protein structure/function; Has not been previously published as pathogenic or benign to our knowledge